The following is an entry in ClinVar:

ClinVar aggregate classification (germline): Likely benign (1 of 4 stars; one submission).

Allele frequency attached by ClinVar (database versions not stated): gnomAD 0.00001.
gnomAD v4.1: 1 of 1,612,470 alleles (0.000062%); highest among the groups gnomAD compares: South Asian, 0.0011%; no homozygotes.

Submission:

CeGaT Center for Human Genetics Tuebingen
Classification: Likely benign. Last evaluated: 2024-03-01. Review status: criteria provided, single submitter. Criteria: CeGaT Center For Human Genetics Tuebingen Variant Classification Criteria Version 2. Collection method: clinical testing. Allele origin: germline. Affected: yes. Observed: 1 variant allele.
Comment: BIRC6: BP4, BS1

NM_016252.4(BIRC6):c.7944C>A (p.Ser2648=)

Gene: BIRC6 (baculoviral IAP repeat containing 6; plus strand). Cytogenetic location: 2p22.3.
Variant type: single nucleotide variant.
Coding change: c.7944C>A on transcript NM_016252.4 (MANE Select); coding-DNA position 7944, C replaced by A.
Protein change: p.Ser2648=; no amino-acid change (serine 2648 retained).
Molecular consequence: synonymous variant.
Genome position (GRCh38, 1-based): chr2:32,487,777, C>A. VCF-style: chr2-32487777-C-A. GRCh37 (hg19) VCF-style: chr2-32712844-C-A.
Other names: c.7941C>A, p.Ser2647= (NM_001378125.1).
Identifiers: ClinVar variation 3067432 (VCV003067432.21), dbSNP rs2149287550, ClinGen allele CA425472075.